The following is an entry in ClinVar:

NM_001194.4(HCN2):c.1628C>T (p.Pro543Leu)

Gene: HCN2 (hyperpolarization activated cyclic nucleotide gated potassium and sodium channel 2; plus strand). Cytogenetic location: 19p13.3.
Variant type: single nucleotide variant.
Coding change: c.1628C>T on transcript NM_001194.4 (MANE Select); coding-DNA position 1628, C replaced by T.
Protein change: p.Pro543Leu; replaces proline 543 with leucine.
Molecular consequence: missense variant.
Genome position (GRCh38, 1-based): chr19:613,291, C>T. VCF-style: chr19-613291-C-T. GRCh37 (hg19) VCF-style: chr19-613291-C-T.
Other names: short protein forms P543L.
Identifiers: ClinVar variation 423436 (VCV000423436.2), dbSNP rs1064796423, ClinGen allele CA16620908.

ClinVar aggregate classification (germline): Uncertain significance (1 of 4 stars; one submission).

Allele frequency attached by ClinVar (database versions not stated): gnomAD exomes below 0.00001; TOPMed below 0.00001; gnomAD 0.00001.
gnomAD v4.1: 3 of 1,612,712 alleles (0.00019%); highest among the groups gnomAD compares: Non-Finnish European, 0.00017%; no homozygotes.

Submission:

GeneDx
Classification: Uncertain significance. Last evaluated: 2017-02-14. Review status: criteria provided, single submitter. Criteria: GeneDx Variant Classification (06012015). Collection method: clinical testing. Allele origin: germline. Affected: yes.
Comment: The P543L variant in the HCN2 gene has not been reported previously as a pathogenic variant, nor as a benign variant, to our knowledge. The P543L variant is not observed in large population cohorts (Lek et al., 2016; 1000 Genomes Consortium et al., 2015; Exome Variant Server). The P543L variant is a semi-conservative amino acid substitution, which may impact secondary protein structure as these residues differ in some properties. This substitution occurs at a position that is conserved across species. In silico analysis predicts this variant is probably damaging to the protein structure/function. We interpret P543L as a variant of uncertain significance.